The following is an entry in ClinVar:

ClinVar aggregate classification (germline): Uncertain significance (1 of 4 stars; one submission).

Conditions:
Microcephaly 20, primary, autosomal recessive. Identifiers: MedGen C4693572, MONDO:0054761, OMIM 617914.

Allele frequency attached by ClinVar (database versions not stated): gnomAD exomes below 0.00001; TOPMed below 0.00001; ExAC 0.00001.
gnomAD v4.1: 8 of 1,595,798 alleles (0.0005%); highest among the groups gnomAD compares: Non-Finnish European, 0.00068%; no homozygotes.

Submission:

Breda Genetics srl
Classification: Uncertain significance for Microcephaly 20, primary, autosomal recessive. Last evaluated: 2020-09-22. Review status: criteria provided, single submitter. Criteria: ACMG Guidelines, 2015. Collection method: clinical testing. Allele origin: germline. Inheritance: Autosomal recessive inheritance. Affected: yes. Observed: 1 variant allele, 1 heterozygote.
Comment: Based on allele frequency, in-silico prediction scores and a certain overlap with the clinical phenotype, we interpreted this variant at least as of uncertain significance. The lack of one or more of the following features has discouraged further investigations: lack of a possible second hit in autosomal recessive conditions, presence of healthy controls in databases for autosomal dominant conditions, presence of unmatching cardinal clinical features in the patient or in the known gene-disease association, and/or variant type outside the known gene mutational spectrum.

NM_014875.3(KIF14):c.3127C>T (p.His1043Tyr)

Gene: KIF14 (kinesin family member 14; minus strand). Cytogenetic location: 1q32.1.
Variant type: single nucleotide variant.
Coding change: c.3127C>T on transcript NM_014875.3 (MANE Select); coding-DNA position 3127, C replaced by T.
Protein change: p.His1043Tyr; replaces histidine 1043 with tyrosine.
Molecular consequence: missense variant.
Genome position (GRCh38, 1-based): chr1:200,586,215, G>A on the plus strand (C>T on the coding strand, the complement: KIF14 is on the minus strand). VCF-style: chr1-200586215-G-A. GRCh37 (hg19) VCF-style: chr1-200555343-G-A.
Other names: c.1654C>T, p.His552Tyr (NM_001305792.1); short protein forms H1043Y, H552Y.
Identifiers: ClinVar variation 1299697 (VCV001299697.1), dbSNP rs763872222, ClinGen allele CA1317335.